The following is an entry in ClinVar:

ClinVar aggregate classification (germline): Uncertain significance. Review status: criteria provided, multiple submitters, no conflicts (2 of 4 stars). 3 submissions from 3 submitters: Uncertain significance (3). Last evaluated 2024-09-24.

Conditions:
Multiple endocrine neoplasia type 4. Also called: MULTIPLE ENDOCRINE NEOPLASIA, TYPE IV. Identifiers: Orphanet 276152, MedGen C1970712, MONDO:0012552, OMIM 610755.
Hereditary cancer-predisposing syndrome. Also called: Neoplastic Syndromes, Hereditary; Hereditary neoplastic syndrome; Tumor predisposition; Hereditary Cancer Syndrome. Identifiers: Orphanet 140162, MedGen C0027672, MeSH D009386, MONDO:0015356.

Allele frequency attached by ClinVar (database versions not stated): TOPMed below 0.00001.
gnomAD v4.1: 1 of 1,613,058 alleles (0.000062%); no homozygotes.

Submissions (3):

Ambry Genetics
Classification: Uncertain significance for Hereditary cancer-predisposing syndrome. Last evaluated: 2024-09-24. Review status: criteria provided, single submitter. Criteria: Ambry Variant Classification Scheme 2023. Collection method: clinical testing. Allele origin: germline.
Comment: The p.N124D variant (also known as c.370A>G), located in coding exon 1 of the CDKN1B gene, results from an A to G substitution at nucleotide position 370. The asparagine at codon 124 is replaced by aspartic acid, an amino acid with highly similar properties. This amino acid position is conserved. In addition, this alteration is predicted to be tolerated by in silico analysis. Based on the available evidence, the clinical significance of this variant remains unclear.

Labcorp Genetics (formerly Invitae), Labcorp
Classification: Uncertain significance for Multiple endocrine neoplasia type 4. Last evaluated: 2023-02-08. Review status: criteria provided, single submitter. Criteria: Invitae Variant Classification Sherloc (09022015). Collection method: clinical testing. Allele origin: germline.
Comment: ClinVar contains an entry for this variant (Variation ID: 1675484). In summary, the available evidence is currently insufficient to determine the role of this variant in disease. Therefore, it has been classified as a Variant of Uncertain Significance. Algorithms developed to predict the effect of missense changes on protein structure and function output the following: SIFT: "Tolerated"; PolyPhen-2: "Benign"; Align-GVGD: "Class C0". The aspartic acid amino acid residue is found in multiple mammalian species, which suggests that this missense change does not adversely affect protein function. This variant has not been reported in the literature in individuals affected with CDKN1B-related conditions. This variant is not present in population databases (gnomAD no frequency). This sequence change replaces asparagine, which is neutral and polar, with aspartic acid, which is acidic and polar, at codon 124 of the CDKN1B protein (p.Asn124Asp).

CeGaT Center for Human Genetics Tuebingen
Classification: Uncertain significance. Last evaluated: 2022-01-01. Review status: criteria provided, single submitter. Criteria: CeGaT Center For Human Genetics Tuebingen Variant Classification Criteria Version 2. Collection method: clinical testing. Allele origin: germline. Affected: yes. Observed: 1 variant allele.

NM_004064.5(CDKN1B):c.370A>G (p.Asn124Asp)

Gene: CDKN1B (cyclin dependent kinase inhibitor 1B; plus strand). Cytogenetic location: 12p13.1.
Variant type: single nucleotide variant.
Coding change: c.370A>G on transcript NM_004064.5 (MANE Select); coding-DNA position 370, A replaced by G.
Protein change: p.Asn124Asp; replaces asparagine 124 with aspartic acid.
Molecular consequence: missense variant.
Genome position (GRCh38, 1-based): chr12:12,718,209, A>G. VCF-style: chr12-12718209-A-G. GRCh37 (hg19) VCF-style: chr12-12871143-A-G.
Other names: c.370A>G (NM_004064.3); short protein forms N124D.
Identifiers: ClinVar variation 1675484 (VCV001675484.37), dbSNP rs1946496907, ClinGen allele CA383970457.